The following is an entry in ClinVar:

NM_014874.4(MFN2):c.2182C>T (p.Gln728Ter)

Gene: MFN2 (mitofusin 2; plus strand). Cytogenetic location: 1p36.22.
Variant type: single nucleotide variant.
Coding change: c.2182C>T on transcript NM_014874.4 (MANE Select); coding-DNA position 2182, C replaced by T.
Protein change: p.Gln728Ter; replaces glutamine 728 with a stop codon.
Molecular consequence: nonsense.
Genome position (GRCh38, 1-based): chr1:12,009,704, C>T. VCF-style: chr1-12009704-C-T. GRCh37 (hg19) VCF-style: chr1-12069761-C-T.
Other names: c.2182C>T, p.Gln728Ter (NM_001127660.2); short protein forms Q728*.
Identifiers: ClinVar variation 4722665 (VCV004722665.1).

ClinVar aggregate classification (germline): Pathogenic (1 of 4 stars; one submission).

Conditions:
Charcot-Marie-Tooth disease type 2. Also called: Charcot-Marie-Tooth type 2. Identifiers: Orphanet 64746, MedGen C0270914, MONDO:0018993.

Submission:

Labcorp Genetics (formerly Invitae), Labcorp
Classification: Pathogenic for Charcot-Marie-Tooth disease type 2. Last evaluated: 2025-07-15. Review status: criteria provided, single submitter. Criteria: Invitae Variant Classification Sherloc (09022015). Collection method: clinical testing. Allele origin: germline.
Comment: This sequence change creates a premature translational stop signal (p.Gln728*) in the MFN2 gene. While this is not anticipated to result in nonsense mediated decay, it is expected to disrupt the last 30 amino acid(s) of the MFN2 protein. This variant is not present in population databases (gnomAD no frequency). This variant has not been reported in the literature in individuals affected with MFN2-related conditions. This variant disrupts a region of the MFN2 protein in which other variant(s) (p.Gln751*) have been determined to be pathogenic (PMID: 16714318). This suggests that this is a clinically significant region of the protein, and that variants that disrupt it are likely to be disease-causing. For these reasons, this variant has been classified as Pathogenic.

Literature cited by the submitters: PubMed 16714318.